The following is an entry in ClinVar:

ClinVar aggregate classification (germline): Likely benign (1 of 4 stars; one submission).

Conditions:
PLXNA2-related disorder. Also called: PLXNA2-related condition.

Submission:

PreventionGenetics, part of Exact Sciences
Classification: Likely benign for PLXNA2-related condition. Last evaluated: 2025-06-23. Review status: criteria provided, single submitter. Criteria: ACMG Guidelines, 2015. Collection method: clinical testing. Allele origin: germline.
Comment: This variant is classified as likely benign based on ACMG/AMP sequence variant interpretation guidelines (Richards et al. 2015 PMID: 25741868, with internal and published modifications).

NM_025179.4(PLXNA2):c.1507-5G>A

Gene: PLXNA2 (plexin A2; minus strand). Cytogenetic location: 1q32.2.
Variant type: single nucleotide variant.
Coding change: c.1507-5G>A on transcript NM_025179.4 (MANE Select); 5 bases into the intron before coding-DNA position 1507, G replaced by A.
Molecular consequence: intron variant.
Genome position (GRCh38, 1-based): chr1:208,103,252, C>T on the plus strand (G>A on the coding strand, the complement: PLXNA2 is on the minus strand). VCF-style: chr1-208103252-C-T. GRCh37 (hg19) VCF-style: chr1-208276597-C-T.
Identifiers: ClinVar variation 5000752 (VCV005000752.1).